The following is an entry in ClinVar:

NM_001258392.3(CLPB):c.374A>G (p.His125Arg)

Gene: CLPB (ClpB family mitochondrial disaggregase; minus strand). Cytogenetic location: 11q13.4.
Variant type: single nucleotide variant.
Coding change: c.374A>G on transcript NM_001258392.3 (MANE Select); coding-DNA position 374, A replaced by G.
Protein change: p.His125Arg; replaces histidine 125 with arginine.
Molecular consequence: missense variant. On other transcripts: synonymous variant (1).
Genome position (GRCh38, 1-based): chr11:72,434,101, T>C on the plus strand (A>G on the coding strand, the complement: CLPB is on the minus strand). VCF-style: chr11-72434101-T-C. GRCh37 (hg19) VCF-style: chr11-72145145-T-C.
Other names: c.374A>G, p.His125Arg (NM_001258393.3, NM_030813.6); c.132A>G, p.Ser44= (NM_001258394.3); short protein forms H125R.
Identifiers: ClinVar variation 3236439 (VCV003236439.2), dbSNP rs758749063, ClinGen allele CA224518279.

ClinVar aggregate classification (germline): Uncertain significance (1 of 4 stars; one submission).

Conditions:
3-methylglutaconic aciduria, type VIIA. Also called: 3-METHYLGLUTACONIC ACIDURIA WITH NEUROLOGIC INVOLVEMENT AND NEUTROPENIA, AUTOSOMAL DOMINANT. Identifiers: MedGen C5676967, MONDO:0859237, OMIM 619835.

Allele frequency attached by ClinVar (database versions not stated): gnomAD exomes below 0.00001.

Submission:

Neuberg Centre For Genomic Medicine, NCGM
Classification: Uncertain significance for 3-methylglutaconic aciduria, type VIIA. Review status: criteria provided, single submitter. Criteria: ACMG Guidelines, 2015. Collection method: clinical testing. Allele origin: germline. Inheritance: Autosomal dominant inheritance. Affected: yes.
Comment: The missense c.374A>G p.His125Arg variant in CLPB gene has not been reported previously as a pathogenic variant nor as a benign variant, to our knowledge. The p.His125Arg variant is novel not in any individuals in gnomAD Exomes and 1000 Genomes. This variant has not been reported to the ClinVar database. The amino acid change p.His125Arg in CLPB is predicted as conserved by GERP++ and PhyloP across 100 vertebrates. The amino acid His at position 125 is changed to a Arg changing protein sequence and it might alter its composition and physico-chemical properties. For these reasons, this variant has been classified as Variant of Uncertain Significance VUS.